The following is an entry in ClinVar:

NM_032977.4(CASP10):c.*2618G>A

Gene: CASP10 (caspase 10; plus strand). Cytogenetic location: 2q33.1.
Variant type: single nucleotide variant.
Coding change: c.*2618G>A on transcript NM_032977.4 (MANE Select); 2618 bases downstream of the stop codon, G replaced by A.
Molecular consequence: 3 prime UTR variant. On other transcripts: intron variant (2).
Genome position (GRCh38, 1-based): chr2:201,220,359, G>A. VCF-style: chr2-201220359-G-A. GRCh37 (hg19) VCF-style: chr2-202085082-G-A.
Other names: c.*2618G>A (NM_001206524.2, NM_001230.5); c.*3273G>A (NM_032976.4); c.1416-8574G>A (NM_032974.5); c.1287-8574G>A (NM_001206542.2).
Identifiers: ClinVar variation 333479 (VCV000333479.5), dbSNP rs41431151, ClinGen allele CA10612372.
Genomic context (GRCh38, chr2:201,220,359, plus strand): 5'-AGATAAGACAGCTCTGGCATAGAGGGAGGTGGGGGGGTGGGGGAAGTCTCTTGGGTAACT[G>A]CCAAACTTTGCCTTCATACAATGGGTTCCAGGAAAACAATGAGCCTTAATAAGCACATTC-3'

ClinVar aggregate classification (germline): Benign (1 of 4 stars; one submission).

Conditions:
Autoimmune lymphoproliferative syndrome type 2A (ALPS2A). Also called: CASP10-Related Autoimmune Lymphoproliferative Syndrome; AUTOIMMUNE LYMPHOPROLIFERATIVE SYNDROME, TYPE IIA; Autoimmune lymphoproliferative syndrome type 2. Identifiers: Orphanet 3261, MedGen C1858968, MONDO:0011383, OMIM 603909.

Allele frequency attached by ClinVar (database versions not stated): gnomAD exomes 0.00015; gnomAD 0.00382; TOPMed 0.00411; 1000 Genomes Project 0.00419; 1000 Genomes Project 30x 0.00468.
gnomAD v4.1: 541 of 166,084 alleles (0.33%); highest among the groups gnomAD compares: African/African-American, 1.2%; 4 homozygotes.

Submission:

Illumina Laboratory Services, Illumina
Classification: Benign for Autoimmune lymphoproliferative syndrome type 2A. Last evaluated: 2018-01-13. Review status: criteria provided, single submitter. Criteria: ICSL Variant Classification Criteria 13 December 2019. Collection method: clinical testing. Allele origin: germline.
Comment: This variant was observed in the ICSL laboratory as part of a predisposition screen in an ostensibly healthy population. It had not been previously curated by ICSL or reported in the Human Gene Mutation Database (HGMD: prior to June 1st, 2018), and was therefore a candidate for classification through an automated scoring system. Utilizing variant allele frequency, disease prevalence and penetrance estimates, and inheritance mode, an automated score was calculated to assess if this variant is too frequent to cause the disease. Based on the score and internal cut-off values, a variant classified as benign is not then subjected to further curation. The score for this variant resulted in a classification of benign for this disease.